The following is an entry in ClinVar:

ClinVar aggregate classification (germline): Uncertain significance (1 of 4 stars; one submission).

Conditions:
Cardiovascular phenotype. Identifiers: MedGen CN230736.

Submission:

Ambry Genetics
Classification: Uncertain significance for Cardiovascular phenotype. Last evaluated: 2024-05-19. Review status: criteria provided, single submitter. Criteria: Ambry Variant Classification Scheme 2023. Collection method: clinical testing. Allele origin: germline.
Comment: The p.L4249P variant (also known as c.12746T>C), located in coding exon 29 of the APOB gene, results from a T to C substitution at nucleotide position 12746. The leucine at codon 4249 is replaced by proline, an amino acid with similar properties. This amino acid position is conserved. In addition, the in silico prediction for this alteration is inconclusive. Based on the available evidence, the clinical significance of this variant remains unclear.

NM_000384.3(APOB):c.12746T>C (p.Leu4249Pro)

Gene: APOB (apolipoprotein B; minus strand). Cytogenetic location: 2p24.1.
Variant type: single nucleotide variant.
Coding change: c.12746T>C on transcript NM_000384.3 (MANE Select); coding-DNA position 12746, T replaced by C.
Protein change: p.Leu4249Pro; replaces leucine 4249 with proline.
Molecular consequence: missense variant.
Genome position (GRCh38, 1-based): chr2:21,002,676, A>G on the plus strand (T>C on the coding strand, the complement: APOB is on the minus strand). VCF-style: chr2-21002676-A-G. GRCh37 (hg19) VCF-style: chr2-21225548-A-G.
Other names: short protein forms L4249P.
Identifiers: ClinVar variation 3307932 (VCV003307932.1).